The following is an entry in ClinVar:

NM_004260.4(RECQL4):c.1078C>T (p.Gln360Ter)

Gene: RECQL4 (RecQ like helicase 4; minus strand). Cytogenetic location: 8q24.3.
Variant type: single nucleotide variant.
Coding change: c.1078C>T on transcript NM_004260.4 (MANE Select); coding-DNA position 1078, C replaced by T.
Protein change: p.Gln360Ter; replaces glutamine 360 with a stop codon.
Molecular consequence: nonsense.
Genome position (GRCh38, 1-based): chr8:144,516,041, G>A on the plus strand (C>T on the coding strand, the complement: RECQL4 is on the minus strand). VCF-style: chr8-144516041-G-A. GRCh37 (hg19) VCF-style: chr8-145741425-G-A.
Other names: short protein forms Q360*.
Identifiers: ClinVar variation 1073755 (VCV001073755.6), dbSNP rs375236875, ClinGen allele CA4949080.
Genomic context (GRCh38, chr8:144,516,041, plus strand): 5'-GTCTTACCTGCTTGCGGAGGAGCCTGCTACGGAGTGCCCGGCCCCGCACGTAGTGTTTCT[G>A]CTTCATGTTGAGCCGTACGTAATTGCCCCTGTCATGGCGGGCCAGCCGAGGGAAGATGTG-3'

ClinVar aggregate classification (germline): Pathogenic. Review status: criteria provided, multiple submitters, no conflicts (2 of 4 stars). 2 submissions from 2 submitters: Pathogenic (2). Last evaluated 2023-06-25.

Conditions:
Baller-Gerold syndrome (BGS). Also called: CRANIOSYNOSTOSIS WITH RADIAL DEFECTS. Identifiers: Orphanet 1225, MedGen C0265308, MONDO:0009039, OMIM 218600.

Allele frequency attached by ClinVar (database versions not stated): gnomAD 0.00001; ESP Exome Variant Server 0.00008.
gnomAD v4.1: 9 of 1,612,150 alleles (0.00056%); highest among the groups gnomAD compares: Non-Finnish European, 0.00076%; no homozygotes.

Submissions (2):

Labcorp Genetics (formerly Invitae), Labcorp
Classification: Pathogenic for Baller-Gerold syndrome. Last evaluated: 2023-06-25. Review status: criteria provided, single submitter. Criteria: Invitae Variant Classification Sherloc (09022015). Collection method: clinical testing. Allele origin: germline.
Comment: This sequence change creates a premature translational stop signal (p.Gln360*) in the RECQL4 gene. It is expected to result in an absent or disrupted protein product. Loss-of-function variants in RECQL4 are known to be pathogenic (PMID: 12734318, 12952869). For these reasons, this variant has been classified as Pathogenic. ClinVar contains an entry for this variant (Variation ID: 1073755). This premature translational stop signal has been observed in individual(s) with RECQL4-associated conditions (PMID: 27247962). This variant is present in population databases (rs375236875, gnomAD 0.002%).

Baylor Genetics
Classification: Pathogenic for Baller-Gerold syndrome. Last evaluated: 2022-08-30. Review status: criteria provided, single submitter. Criteria: ACMG Guidelines, 2015. Collection method: clinical testing. Allele origin: unknown.

Literature cited by the submitters: PubMed 12734318 (cited by Labcorp Genetics (formerly Invitae), Labcorp); PubMed 12952869 (cited by Labcorp Genetics (formerly Invitae), Labcorp); PubMed 27247962 (cited by Labcorp Genetics (formerly Invitae), Labcorp).